The following is an entry in ClinVar:

ClinVar aggregate classification (germline): Uncertain significance (1 of 4 stars; one submission).

Conditions:
Cortical dysplasia-focal epilepsy syndrome (PTHSL1). Also called: Pitt-Hopkins-like syndrome 1. Identifiers: Orphanet 163681, Orphanet 221150, MedGen C2750246, MONDO:0012400, OMIM 610042.

Submission:

Labcorp Genetics (formerly Invitae), Labcorp
Classification: Uncertain significance for Cortical dysplasia-focal epilepsy syndrome. Last evaluated: 2019-10-16. Review status: criteria provided, single submitter. Criteria: Invitae Variant Classification Sherloc (09022015). Collection method: clinical testing. Allele origin: germline.
Comment: In summary, the available evidence is currently insufficient to determine the role of this variant in disease. Therefore, it has been classified as a Variant of Uncertain Significance. Algorithms developed to predict the effect of missense changes on protein structure and function are either unavailable or do not agree on the potential impact of this missense change (SIFT: "Deleterious"; PolyPhen-2: "Possibly Damaging"; Align-GVGD: "Class C0"). This variant has not been reported in the literature in individuals with CNTNAP2-related conditions. This variant is not present in population databases (ExAC no frequency). This sequence change replaces isoleucine with threonine at codon 281 of the CNTNAP2 protein (p.Ile281Thr). The isoleucine residue is moderately conserved and there is a moderate physicochemical difference between isoleucine and threonine.

NM_014141.6(CNTNAP2):c.842T>C (p.Ile281Thr)

Gene: CNTNAP2 (contactin associated protein 2; plus strand). Cytogenetic location: 7q35.
Variant type: single nucleotide variant.
Coding change: c.842T>C on transcript NM_014141.6 (MANE Select); coding-DNA position 842, T replaced by C.
Protein change: p.Ile281Thr; replaces isoleucine 281 with threonine.
Molecular consequence: missense variant.
Genome position (GRCh38, 1-based): chr7:147,121,066, T>C. VCF-style: chr7-147121066-T-C. GRCh37 (hg19) VCF-style: chr7-146818158-T-C.
Other names: short protein forms I281T.
Identifiers: ClinVar variation 933506 (VCV000933506.10), dbSNP rs1801101439, ClinGen allele CA369923899.